The following is an entry in ClinVar:

NM_014991.6(WDFY3):c.8467C>T (p.Arg2823Trp)

Gene: WDFY3 (WD repeat and FYVE domain containing 3; minus strand). Cytogenetic location: 4q21.23.
Variant type: single nucleotide variant.
Coding change: c.8467C>T on transcript NM_014991.6 (MANE Select); coding-DNA position 8467, C replaced by T.
Protein change: p.Arg2823Trp; replaces arginine 2823 with tryptophan.
Molecular consequence: missense variant.
Genome position (GRCh38, 1-based): chr4:84,702,482, G>A on the plus strand (C>T on the coding strand, the complement: WDFY3 is on the minus strand). VCF-style: chr4-84702482-G-A. GRCh37 (hg19) VCF-style: chr4-85623635-G-A.
Other names: short protein forms R2823W.
Identifiers: ClinVar variation 430947 (VCV000430947.6), dbSNP rs1131692269, ClinGen allele CA357539426.
Genomic context (GRCh38, chr4:84,702,482, plus strand): 5'-CATCTGCCATATTGTGCTTTGACGCTGAATACCAGGCCTCGCGCACACTGTGAAACATCC[G>A]GTCAGCCAGGTCAAAGTGGCCACCCTGTGGGCAGAATAAGACACCTCTCTATTAGAGAAC-3'
Protein context (NP_055806.2, residues 2813-2833): LQGGHFDLAD[Arg2823Trp]MFHSVREAWY

ClinVar aggregate classification (germline): Pathogenic/Likely pathogenic. Review status: criteria provided, multiple submitters, no conflicts (2 of 4 stars). 3 submissions from 3 submitters: Pathogenic (1); Likely pathogenic (2). Last evaluated 2026-09-17.

Conditions:
Microcephaly 18, primary, autosomal dominant (MCPH18). Identifiers: MedGen C4479608, MONDO:0054593, OMIM 617520.
Neurodevelopmental delay. Identifiers: MedGen C4022738, HP:0012758.

Submissions (3):

GeneDx
Classification: Pathogenic. Last evaluated: 2026-09-17. Review status: criteria provided, single submitter. Criteria: GeneDx Variant Classification Process June 2021. Collection method: clinical testing. Allele origin: germline.
Comment: Not observed at significant frequency in large population cohorts (gnomAD); In silico analysis supports that this missense variant has a deleterious effect on protein structure/function; This variant is associated with the following publications: (PMID: 31327001, 32377374, Spinardi2025[Article])

HudsonAlpha Institute for Biotechnology
Classification: Likely pathogenic for Microcephaly 18, primary, autosomal dominant. Last evaluated: 2026-08-31. Review status: criteria provided, single submitter. Criteria: HA_assertions_20150911. Collection method: research. Allele origin: de novo. Affected: yes. Observed: 1 variant allele. Study: CSER-HudsonAlpha.

Institute of Human Genetics, University of Leipzig Medical Center
Classification: Likely pathogenic for Neurodevelopmental delay. Last evaluated: 2019-07-23. Review status: criteria provided, single submitter. Criteria: ACMG Guidelines, 2015. Collection method: research. Allele origin: de novo. Affected: yes.

Literature cited by the submitters: PubMed 31327001 (cited by HudsonAlpha Institute for Biotechnology and Institute of Human Genetics, University of Leipzig Medical Center).